The following is an entry in ClinVar:

NM_032119.4(ADGRV1):c.10534C>T (p.Pro3512Ser)

Gene: ADGRV1 (adhesion G protein-coupled receptor V1; plus strand). Cytogenetic location: 5q14.3.
Variant type: single nucleotide variant.
Coding change: c.10534C>T on transcript NM_032119.4 (MANE Select); coding-DNA position 10534, C replaced by T.
Protein change: p.Pro3512Ser; replaces proline 3512 with serine.
Molecular consequence: missense variant. On other transcripts: non-coding transcript variant (1).
Genome position (GRCh38, 1-based): chr5:90,729,749, C>T. VCF-style: chr5-90729749-C-T. GRCh37 (hg19) VCF-style: chr5-90025566-C-T.
Other names: short protein forms P3512S.
Identifiers: ClinVar variation 2072533 (VCV002072533.4), dbSNP rs767567903, ClinGen allele CA3340769.
Genomic context (GRCh38, chr5:90,729,749, plus strand): 5'-TCCTTCAGGTATTTTCAGTCTGTAGATTTTGCTGCTGTTAACAGAATCCACTCCTTCACA[C>T]CAGCCTCAGGAATAGGTAAGGACTTTTCAACTGCTCACCAATTCTAAAGGTAGTATGGAA-3'
Protein context (NP_115495.3, residues 3502-3522): AAVNRIHSFT[Pro3512Ser]ASGIAHILLI

ClinVar aggregate classification (germline): Uncertain significance (1 of 4 stars; one submission).

Allele frequency attached by ClinVar (database versions not stated): ExAC 0.00001.
gnomAD v4.1: 2 of 1,613,304 alleles (0.00012%); highest among the groups gnomAD compares: Non-Finnish European, 0.000085%; no homozygotes.

Submission:

Labcorp Genetics (formerly Invitae), Labcorp
Classification: Uncertain significance. Last evaluated: 2022-08-03. Review status: criteria provided, single submitter. Criteria: Invitae Variant Classification Sherloc (09022015). Collection method: clinical testing. Allele origin: germline.
Comment: This variant is present in population databases (rs767567903, gnomAD 0.0009%). This sequence change replaces proline, which is neutral and non-polar, with serine, which is neutral and polar, at codon 3512 of the ADGRV1 protein (p.Pro3512Ser). This variant has not been reported in the literature in individuals affected with ADGRV1-related conditions. In summary, the available evidence is currently insufficient to determine the role of this variant in disease. Therefore, it has been classified as a Variant of Uncertain Significance. Algorithms developed to predict the effect of missense changes on protein structure and function are either unavailable or do not agree on the potential impact of this missense change (SIFT: "Tolerated"; PolyPhen-2: "Possibly Damaging"; Align-GVGD: "Class C0").